The following is an entry in ClinVar:

NM_203446.3(SYNJ1):c.3036A>C (p.Glu1012Asp)

Gene: SYNJ1 (synaptojanin 1; minus strand). Cytogenetic location: 21q22.11.
Variant type: single nucleotide variant.
Coding change: c.3036A>C on transcript NM_203446.3 (MANE Select); coding-DNA position 3036, A replaced by C.
Protein change: p.Glu1012Asp; replaces glutamic acid 1012 with aspartic acid.
Molecular consequence: missense variant.
Genome position (GRCh38, 1-based): chr21:32,650,185, T>G on the plus strand (A>C on the coding strand, the complement: SYNJ1 is on the minus strand). VCF-style: chr21-32650185-T-G. GRCh37 (hg19) VCF-style: chr21-34022495-T-G.
Other names: c.3036A>C, p.Glu1012Asp (NM_001160302.2); c.3021A>C, p.Glu1007Asp (NM_001160306.2); c.3153A>C, p.Glu1051Asp (NM_003895.4); short protein forms E1051D, E1007D, E1012D.
Identifiers: ClinVar variation 860291 (VCV000860291.10), dbSNP rs2040223517, ClinGen allele CA410070442.

ClinVar aggregate classification (germline): Uncertain significance (1 of 4 stars; one submission).

Conditions:
Developmental and epileptic encephalopathy, 53. Also called: Epileptic encephalopathy, early infantile, 53. Identifiers: MedGen C4479313, MONDO:0033362, OMIM 617389.
Early-onset Parkinson disease 20. Also called: PARKINSON DISEASE 20, AUTOSOMAL RECESSIVE EARLY-ONSET. Identifiers: Orphanet 391411, MedGen C3809824, MONDO:0014233, OMIM 615530.

Submission:

Labcorp Genetics (formerly Invitae), Labcorp
Classification: Uncertain significance for Developmental and epileptic encephalopathy, 53; Early-onset Parkinson disease 20. Last evaluated: 2022-03-19. Review status: criteria provided, single submitter. Criteria: Invitae Variant Classification Sherloc (09022015). Collection method: clinical testing. Allele origin: germline.
Comment: This sequence change replaces glutamic acid, which is acidic and polar, with aspartic acid, which is acidic and polar, at codon 1051 of the SYNJ1 protein (p.Glu1051Asp). This variant is not present in population databases (gnomAD no frequency). This variant has not been reported in the literature in individuals affected with SYNJ1-related conditions. ClinVar contains an entry for this variant (Variation ID: 860291). Algorithms developed to predict the effect of missense changes on protein structure and function are either unavailable or do not agree on the potential impact of this missense change (SIFT: "Tolerated"; PolyPhen-2: "Probably Damaging"; Align-GVGD: "Class C0"). Algorithms developed to predict the effect of sequence changes on RNA splicing suggest that this variant may disrupt the consensus splice site. In summary, the available evidence is currently insufficient to determine the role of this variant in disease. Therefore, it has been classified as a Variant of Uncertain Significance.